The following is an entry in ClinVar:

ClinVar aggregate classification (germline): Likely benign. Review status: criteria provided, multiple submitters, no conflicts (2 of 4 stars). 2 submissions from 2 submitters: Likely benign (2). Last evaluated 2025-03-29.

Conditions:
Familial thoracic aortic aneurysm and aortic dissection (TAAD). Also called: Thoracic aortic aneurysms and dissections. Identifiers: Orphanet 91387, MedGen C4707243, MONDO:0019625.
Aortic aneurysm, familial thoracic 4 (AAT4). Also called: AORTIC ANEURYSM/AORTIC DISSECTION AND PATENT DUCTUS ARTERIOSUS. Identifiers: MedGen C1851504, MONDO:0007568, OMIM 132900.

gnomAD v4.1: 2 of 1,613,170 alleles (0.00012%); highest among the groups gnomAD compares: Non-Finnish European, 0.00017%; no homozygotes.

Submissions (2):

Labcorp Genetics (formerly Invitae), Labcorp
Classification: Likely benign for Aortic aneurysm, familial thoracic 4. Last evaluated: 2025-03-29. Review status: criteria provided, single submitter. Criteria: Invitae Variant Classification Sherloc (09022015). Collection method: clinical testing. Allele origin: germline.

All of Us Research Program, National Institutes of Health
Classification: Likely benign for Familial thoracic aortic aneurysm and aortic dissection. Last evaluated: 2024-02-22. Review status: criteria provided, single submitter. Criteria: ACMG Guidelines, 2015. Collection method: clinical testing. Allele origin: germline. Inheritance: Autosomal dominant inheritance. Observed: 1 variant allele, 1 heterozygote.
Comment: This study involves interpretation of variants in research participants for the purpose of population health screening. Participant phenotype was not available at the time of variant classification. Additional details can be found in publication PMID: 35346344, PMCID: PMC8962531

NM_002474.3(MYH11):c.2998-14C>G

Gene: MYH11 (myosin heavy chain 11; minus strand). Cytogenetic location: 16p13.11.
Variant type: single nucleotide variant.
Coding change: c.2998-14C>G on transcript NM_002474.3 (MANE Select); 14 bases into the intron before coding-DNA position 2998, C replaced by G.
Molecular consequence: intron variant.
Genome position (GRCh38, 1-based): chr16:15,738,702, G>C on the plus strand (C>G on the coding strand, the complement: MYH11 is on the minus strand). VCF-style: chr16-15738702-G-C. GRCh37 (hg19) VCF-style: chr16-15832559-G-C.
Other names: c.2998-14C>G (NM_022844.3); c.3019-14C>G (NM_001040114.2, NM_001040113.2).
Identifiers: ClinVar variation 2742333 (VCV002742333.4), dbSNP rs371320304, ClinGen allele CA621068235.